The following is an entry in ClinVar:

NM_005068.3(SIM1):c.1448A>G (p.Gln483Arg)

Genes: SIM1 (SIM bHLH transcription factor 1; minus strand), SIM1-AS1 (SIM1 antisense RNA 1; plus strand). Cytogenetic location: 6q16.3.
Variant type: single nucleotide variant.
Coding change: c.1448A>G on transcript NM_005068.3 (MANE Select); coding-DNA position 1448, A replaced by G.
Protein change: p.Gln483Arg; replaces glutamine 483 with arginine.
Molecular consequence: missense variant. On other transcripts: non-coding transcript variant (1).
Genome position (GRCh38, 1-based): chr6:100,393,609, T>C on the plus strand (A>G on the coding strand, the complement: SIM1 is on the minus strand). VCF-style: chr6-100393609-T-C. GRCh37 (hg19) VCF-style: chr6-100841485-T-C.
Other names: c.1448A>G, p.Gln483Arg (NM_001374769.1); short protein forms Q483R.
Identifiers: ClinVar variation 3348802 (VCV003348802.1).

ClinVar aggregate classification (germline): Uncertain significance (0 of 4 stars; one submission).

Conditions:
SIM1-related disorder. Also called: SIM1-related condition; SIM1-related disorders.

gnomAD v4.1: 1 of 1,614,136 alleles (0.000062%); highest among the groups gnomAD compares: African/African-American, 0.0013%; no homozygotes.

Submission:

PreventionGenetics, part of Exact Sciences
Classification: Uncertain significance for SIM1-related condition. Last evaluated: 2024-01-09. Review status: no assertion criteria provided. Collection method: clinical testing. Allele origin: germline.
Comment: The SIM1 c.1448A>G variant is predicted to result in the amino acid substitution p.Gln483Arg. To our knowledge, this variant has not been reported in the literature or in a large population database, indicating this variant is rare. At this time, the clinical significance of this variant is uncertain due to the absence of conclusive functional and genetic evidence.